The following is an entry in ClinVar:

NM_181507.2(HPS5):c.2792A>T (p.Asp931Val)

Gene: HPS5 (HPS5 biogenesis of lysosomal organelles complex 2 subunit 2; minus strand). Cytogenetic location: 11p15.1.
Variant type: single nucleotide variant.
Coding change: c.2792A>T on transcript NM_181507.2 (MANE Select); coding-DNA position 2792, A replaced by T.
Protein change: p.Asp931Val; replaces aspartic acid 931 with valine.
Molecular consequence: missense variant.
Genome position (GRCh38, 1-based): chr11:18,286,636, T>A on the plus strand (A>T on the coding strand, the complement: HPS5 is on the minus strand). VCF-style: chr11-18286636-T-A. GRCh37 (hg19) VCF-style: chr11-18308183-T-A.
Other names: p.Asp931Val; c.2450A>T, p.Asp817Val (NM_007216.4, NM_181508.2); short protein forms D817V, D931V.
Identifiers: ClinVar variation 1378452 (VCV001378452.5), dbSNP rs761741245, ClinGen allele CA5909749.

ClinVar aggregate classification (germline): Uncertain significance. Review status: criteria provided, multiple submitters, no conflicts (2 of 4 stars). 3 submissions from 3 submitters: Uncertain significance (3). Last evaluated 2025-04-17.

Conditions:
Inborn genetic diseases. Identifiers: MedGen C0950123, MeSH D030342.

Allele frequency attached by ClinVar (database versions not stated): gnomAD exomes below 0.00001; TOPMed 0.00002; ExAC 0.00001; gnomAD 0.00001.
gnomAD v4.1: 6 of 1,613,844 alleles (0.00037%); highest among the groups gnomAD compares: Admixed American, 0.0017%; no homozygotes.

Submissions (3):

Mayo Clinic Laboratories, Mayo Clinic
Classification: Uncertain significance. Last evaluated: 2025-04-17. Review status: criteria provided, single submitter. Criteria: ACMG Guidelines, 2015. Collection method: clinical testing. Allele origin: germline. Observed: 2 variant alleles.
Comment: PM2_supporting

Ambry Genetics
Classification: Uncertain significance for Inborn genetic diseases. Last evaluated: 2024-06-25. Review status: criteria provided, single submitter. Criteria: Ambry Variant Classification Scheme 2023. Collection method: clinical testing. Allele origin: germline.

Labcorp Genetics (formerly Invitae), Labcorp
Classification: Uncertain significance. Last evaluated: 2021-11-19. Review status: criteria provided, single submitter. Criteria: Invitae Variant Classification Sherloc (09022015). Collection method: clinical testing. Allele origin: germline.
Comment: This sequence change replaces aspartic acid, which is acidic and polar, with valine, which is neutral and non-polar, at codon 931 of the HPS5 protein (p.Asp931Val). This variant is present in population databases (rs761741245, gnomAD 0.003%). This variant has not been reported in the literature in individuals affected with HPS5-related conditions. Algorithms developed to predict the effect of missense changes on protein structure and function are either unavailable or do not agree on the potential impact of this missense change (SIFT: "Deleterious"; PolyPhen-2: "Possibly Damaging"; Align-GVGD: "Class C0"). In summary, the available evidence is currently insufficient to determine the role of this variant in disease. Therefore, it has been classified as a Variant of Uncertain Significance.